The following is an entry in ClinVar:

ClinVar aggregate classification (germline): Uncertain significance (1 of 4 stars; one submission).

Conditions:
Malignant hyperthermia, susceptibility to, 1 (MHS1). Also called: RYR1-Related Malignant Hyperthermia Susceptibility; Anesthesia related hyperthermia; Malignant hyperpyrexia; Fulminating hyperpyrexia; Pharmacogenic myopathy; Malignant hyperthermia suceptibility 1. Identifiers: Orphanet 423, MedGen C2930980, MONDO:0007783, OMIM 145600.

gnomAD v4.1: 1 of 1,606,164 alleles (0.000062%); no homozygotes.

Submission:

All of Us Research Program, National Institutes of Health
Classification: Uncertain significance for Malignant hyperthermia, susceptibility to, 1. Last evaluated: 2023-04-03. Review status: criteria provided, single submitter. Criteria: ACMG Guidelines, 2015. Collection method: clinical testing. Allele origin: germline. Inheritance: Autosomal dominant inheritance. Observed: 2 variant alleles, 2 heterozygotes.
Comment: This variant is located in the RYR1 protein. To our knowledge, functional studies have not been reported for this variant. This variant has not been reported in individuals affected with RYR1-related disorders in the literature. This variant has not been identified in the general population by the Genome Aggregation Database (gnomAD). The available evidence is insufficient to determine the role of this variant in disease conclusively. Therefore, this variant is classified as a Variant of Uncertain Significance.

This study involves interpretation of variants in research participants for the purpose of population health screening. Participant phenotype was not available at the time of variant classification. Additional details can be found in publication PMID: 35346344, PMCID: PMC8962531

NM_000540.3(RYR1):c.12624G>A (p.Gln4208=)

Gene: RYR1 (ryanodine receptor 1; plus strand). Cytogenetic location: 19q13.2.
Variant type: single nucleotide variant.
Coding change: c.12624G>A on transcript NM_000540.3 (MANE Select); coding-DNA position 12624, G replaced by A.
Protein change: p.Gln4208=; no amino-acid change (glutamine 4208 retained).
Molecular consequence: synonymous variant.
Genome position (GRCh38, 1-based): chr19:38,561,454, G>A. VCF-style: chr19-38561454-G-A. GRCh37 (hg19) VCF-style: chr19-39052094-G-A.
Other names: c.12609G>A, p.Gln4203= (NM_001042723.2).
Identifiers: ClinVar variation 3070210 (VCV003070210.1), dbSNP rs2514654855, ClinGen allele CA507355453.